The following is an entry in ClinVar:

ClinVar aggregate classification (germline): Conflicting classifications of pathogenicity. Review status: criteria provided, conflicting classifications (1 of 4 stars). 22 submissions from 21 submitters: Pathogenic (4); Likely pathogenic (11); Uncertain significance (5). 2 of the submissions do not count toward it. Last evaluated 2026-03-11.

Conditions:
Cardiovascular phenotype. Identifiers: MedGen CN230736.
Walker-Warburg congenital muscular dystrophy. Also called: Muscular dystrophy-dystroglycanopathy, type A; Walker-Warburg syndrome. Identifiers: Orphanet 899, MedGen C0265221, MONDO:0000171.
Autosomal recessive limb-girdle muscular dystrophy. Identifiers: Orphanet 102015, MedGen C2931907, MONDO:0015152.
Muscular dystrophy-dystroglycanopathy type B5 (MDDGB5). Also called: MUSCULAR DYSTROPHY, CONGENITAL, 1C; MUSCULAR DYSTROPHY, CONGENITAL, FKRP-RELATED; MUSCULAR DYSTROPHY-DYSTROGLYCANOPATHY (CONGENITAL WITH OR WITHOUT IMPAIRED INTELLECTUAL DEVELOPMENT), TYPE B, 5. Identifiers: MedGen C1847759, MONDO:0011688, OMIM 606612.
Autosomal recessive limb-girdle muscular dystrophy type 2I. Also called: MUSCULAR DYSTROPHY, LIMB-GIRDLE, TYPE 2I; MUSCULAR DYSTROPHY-DYSTROGLYCANOPATHY (LIMB-GIRDLE), TYPE C, 5; MUSCULAR DYSTROPHY-DYSTROGLYCANOPATHY, LIMB-GIRDLE, FRKP-RELATED. Identifiers: Orphanet 34515, MedGen C1846672, MONDO:0011787, OMIM 607155.
Muscular dystrophy-dystroglycanopathy (congenital with brain and eye anomalies), type A5. Also called: WALKER-WARBURG SYNDROME OR MUSCLE-EYE-BRAIN DISEASE, FKRP-RELATED; MUSCULAR DYSTROPHY-DYSTROGLYCANOPATHY (CONGENITAL WITH BRAIN AND EYE ANOMALIES), TYPE A, 5. Identifiers: Orphanet 588, Orphanet 899, MedGen C3150413, MONDO:0013157, OMIM 613153.
FKRP-related disorder. Also called: FKRP-related condition.
Muscular dystrophy-dystroglycanopathy (congenital with brain and eye anomalies), type A1 (MDDGA1). Also called: WALKER-WARBURG SYNDROME OR MUSCLE-EYE-BRAIN DISEASE, POMT1-RELATED; Hydrocephalus, agyria and retinal dysplasia; Hard +/- E syndrome; Warburg syndrome; Chemke syndrome; Pagon syndrome. Identifiers: Orphanet 588, Orphanet 899, MedGen C4284790, MONDO:0009364, OMIM 236670.

Allele frequency attached by ClinVar (database versions not stated): ExAC below 0.00001; gnomAD exomes 0.00003; gnomAD 0.00031 and 0.00032; 1000 Genomes Project 0.00040; TOPMed 0.00045; 1000 Genomes Project 30x 0.00109.
gnomAD v4.1: 95 of 1,559,086 alleles (0.0061%); highest among the groups gnomAD compares: African/African-American, 0.078%; 1 homozygote.

Submissions 1 to 7 of 22:

PreventionGenetics, part of Exact Sciences
Classification: Likely pathogenic for FKRP-related condition. Last evaluated: 2026-03-11. Review status: criteria provided, single submitter. Criteria: ACMG Guidelines, 2015. Collection method: clinical testing. Allele origin: germline.
Comment: The FKRP c.898G>A variant is predicted to result in the amino acid substitution p.Val300Met. This variant has been reported in the homozygous or compound heterozygous states in individuals with limb-girdle muscular dystrophy (LGMD) or clinical features of LGMD (de Paula et al. 2003. PMID: 14647208; Table S3, Trujillano et al. 2016. PubMed ID: 27848944; Table S7, Nallamilli et al. 2018. PubMed ID: 30564623). An alternate missense change at the same amino acid position (p.Val300Ala) has been reported to be pathogenic (de Paula et al. 2003. PubMed ID: 14647208; Walter et al. 2004. PubMed ID: 15060126; Stensland et al. 2010. PubMed ID: 20961759). This variant is interpreted as likely pathogenic.

Labcorp Genetics (formerly Invitae), Labcorp
Classification: Pathogenic for Walker-Warburg congenital muscular dystrophy. Last evaluated: 2026-01-27. Review status: criteria provided, single submitter. Criteria: Invitae Variant Classification Sherloc (09022015). Collection method: clinical testing. Allele origin: germline.
Comment: This sequence change replaces valine, which is neutral and non-polar, with methionine, which is neutral and non-polar, at codon 300 of the FKRP protein (p.Val300Met). The frequency data for this variant in the population databases is considered unreliable, as metrics indicate poor data quality at this position in the gnomAD database. This missense change has been observed in individual(s) with limb-girdle muscular dystrophy, and FKRP-related disorders (PMID: 14647208, 27848944; internal data). In at least one individual the data is consistent with being in trans (on the opposite chromosome) from a pathogenic variant. ClinVar contains an entry for this variant (Variation ID: 241460). Invitae Evidence Modeling of protein sequence and biophysical properties (such as structural, functional, and spatial information, amino acid conservation, physicochemical variation, residue mobility, and thermodynamic stability) indicates that this missense variant is expected to disrupt FKRP protein function with a positive predictive value of 95%. This variant disrupts the p.Val300 amino acid residue in FKRP. Other variant(s) that disrupt this residue have been determined to be pathogenic (PMID: 14647208, 15060126, 24447024). This suggests that this residue is clinically significant, and that variants that disrupt this residue are likely to be disease-causing. For these reasons, this variant has been classified as Pathogenic.

GeneDx
Classification: Likely pathogenic. Last evaluated: 2025-10-03. Review status: criteria provided, single submitter. Criteria: GeneDx Variant Classification Process June 2021. Collection method: clinical testing. Allele origin: germline. Affected: yes.
Comment: Reported with a second FKRP variant in patients with limb-girdle muscular dystrophy in published literature; however, segregation information was not provided (PMID: 38544359, 18645206, 14647208, 15580560); Missense variants in this gene are a common cause of disease and they are underrepresented in the general population; In silico analysis suggests that this missense variant does not alter protein structure/function; This variant is associated with the following publications: (PMID: 24447024, 15580560, 14647208, 30564623, 15060126, 32746448, 37154180, 18645206, 37852290, 27848944, 38544359, 27439679, 38847106, 39678382)

Women's Health and Genetics/Laboratory Corporation of America, LabCorp
Classification: Pathogenic for Autosomal recessive limb-girdle muscular dystrophy. Last evaluated: 2025-08-26. Review status: criteria provided, single submitter. Criteria: LabCorp Variant Classification Summary - May 2015. Collection method: clinical testing. Allele origin: germline.
Comment: Variant summary: FKRP c.898G>A (p.Val300Met) results in a conservative amino acid change in the encoded protein sequence. Algorithms developed to predict the effect of missense changes on protein structure and function are either unavailable or do not agree on the potential impact of this missense change. The variant allele was found at a frequency of 3.2e-05 in 155330 control chromosomes. c.898G>A has been reported in the literature in individuals affected with Limb-Girdle Muscular Dystrophy, Autosomal Recessive, including homozygotes (de Paula_2003, Trujillano_2017, Nallamilli_2018, internal data). These data indicate that the variant is very likely to be associated with disease. Additionally, another missense variant at the same codon, V300A, was found in individuals affected with autosomal recessive limb-girdle muscular dystrophy, suggesting that this variant is clinically significant. To our knowledge, no experimental evidence demonstrating an impact on protein function has been reported. The following publications have been ascertained in the context of this evaluation (PMID: 15580560, 30564623, 27848944, 25802880, 18645206, 14647208). ClinVar contains an entry for this variant (Variation ID: 241460). Based on the evidence outlined above, the variant was classified as pathogenic.

Natera, Inc.
Classification: Likely pathogenic for Limb-girdle muscular dystrophy type 2I. Last evaluated: 2025-08-05. Review status: criteria provided, single submitter. Criteria: Natera Variant Classification Schema (03/2026). Collection method: clinical testing. Allele origin: germline.
Comment: The c.898G>A variant in FKRP is a missense variant predicted to cause substitution of valine to methionine at amino acid 300. This variant is rare in the general population with a frequency below the threshold expected for the associated phenotype(s). This variant has been observed in one or more individuals affected with the associated recessive disease, as either homozygous or compound heterozygous with a second variant (PMID: 14647208). A different variant at the same position has been determined to be Pathogenic or Likely Pathogenic. Computational prediction algorithms indicate this variant is likely to affect gene or protein function. Given the available evidence, this variant is classified as Likely Pathogenic.

Revvity Omics, Revvity
Classification: Likely pathogenic. Last evaluated: 2025-07-22. Review status: criteria provided, single submitter. Criteria: ACMG Guidelines, 2015. Collection method: clinical testing. Allele origin: germline.

First Genomix Gene Laboratory, Genetic Diagnostics Department
Classification: Likely pathogenic for Muscular dystrophy-dystroglycanopathy (congenital with brain and eye anomalies), type A5; Muscular dystrophy-dystroglycanopathy type B5; Autosomal recessive limb-girdle muscular dystrophy type 2I. Last evaluated: 2025-07-09. Review status: criteria provided, single submitter. Criteria: ACMG Guidelines, 2015. Collection method: clinical testing. Allele origin: germline. Inheritance: Autosomal recessive inheritance. Affected: no. Observed: 1 variant allele.

NM_024301.5(FKRP):c.898G>A (p.Val300Met)

Gene: FKRP (fukutin related protein; plus strand). Cytogenetic location: 19q13.32.
Variant type: single nucleotide variant.
Coding change: c.898G>A on transcript NM_024301.5 (MANE Select); coding-DNA position 898, G replaced by A.
Protein change: p.Val300Met; replaces valine 300 with methionine.
Molecular consequence: missense variant.
Genome position (GRCh38, 1-based): chr19:46,756,348, G>A. VCF-style: chr19-46756348-G-A. GRCh37 (hg19) VCF-style: chr19-47259605-G-A.
Other names: c.898G>A, p.Val300Met (NM_001039885.3); short protein forms V300M.
Identifiers: ClinVar variation 241460 (VCV000241460.83), dbSNP rs563033008, ClinGen allele CA9532207.